The following is an entry in ClinVar:

ClinVar aggregate classification (germline): Uncertain significance (1 of 4 stars; one submission).

Conditions:
Hypokalemic periodic paralysis, type 1. Also called: Hypokalemic Periodic Paralysis Type 1 (AD); HypoPP. Identifiers: Orphanet 681, MedGen C3714580, MONDO:0042979, OMIM 170400.
Malignant hyperthermia, susceptibility to, 5 (MHS5). Also called: CACNA1S-Related Malignant Hyperthermia Susceptibility. Identifiers: Orphanet 423, MedGen C1866077, MONDO:0011163, OMIM 601887.

Submission:

Labcorp Genetics (formerly Invitae), Labcorp
Classification: Uncertain significance for Hypokalemic periodic paralysis, type 1; Malignant hyperthermia, susceptibility to, 5. Last evaluated: 2022-08-19. Review status: criteria provided, single submitter. Criteria: Invitae Variant Classification Sherloc (09022015). Collection method: clinical testing. Allele origin: germline.
Comment: This sequence change replaces glutamic acid, which is acidic and polar, with aspartic acid, which is acidic and polar, at codon 374 of the CACNA1S protein (p.Glu374Asp). This variant is not present in population databases (gnomAD no frequency). This variant has not been reported in the literature in individuals affected with CACNA1S-related conditions. Advanced modeling of protein sequence and biophysical properties (such as structural, functional, and spatial information, amino acid conservation, physicochemical variation, residue mobility, and thermodynamic stability) performed at Invitae indicates that this missense variant is not expected to disrupt CACNA1S protein function. In summary, the available evidence is currently insufficient to determine the role of this variant in disease. Therefore, it has been classified as a Variant of Uncertain Significance.

NM_000069.3(CACNA1S):c.1122G>T (p.Glu374Asp)

Gene: CACNA1S (calcium voltage-gated channel subunit alpha1 S; minus strand). Cytogenetic location: 1q32.1.
Variant type: single nucleotide variant.
Coding change: c.1122G>T on transcript NM_000069.3 (MANE Select); coding-DNA position 1122, G replaced by T.
Protein change: p.Glu374Asp; replaces glutamic acid 374 with aspartic acid.
Molecular consequence: missense variant.
Genome position (GRCh38, 1-based): chr1:201,085,464, C>A on the plus strand (G>T on the coding strand, the complement: CACNA1S is on the minus strand). VCF-style: chr1-201085464-C-A. GRCh37 (hg19) VCF-style: chr1-201054592-C-A.
Other names: short protein forms E374D.
Identifiers: ClinVar variation 2016745 (VCV002016745.4), dbSNP rs752438381, ClinGen allele CA344128934.